The following is an entry in ClinVar:

ClinVar aggregate classification (germline): Conflicting classifications of pathogenicity. Review status: criteria provided, conflicting classifications (1 of 4 stars). 2 submissions from 2 submitters: Likely pathogenic (1); Uncertain significance (1). Last evaluated 2024-08-14.

Conditions:
Hereditary cancer-predisposing syndrome. Also called: Neoplastic Syndromes, Hereditary; Tumor predisposition; Hereditary Cancer Syndrome; Hereditary neoplastic syndrome. Identifiers: Orphanet 140162, MedGen C0027672, MeSH D009386, MONDO:0015356.
Multiple endocrine neoplasia, type 2 (MEN2). Identifiers: Orphanet 653, MedGen C4048306, MONDO:0019003. Disease mechanism: gain of function.

Allele frequency attached by ClinVar (database versions not stated): gnomAD exomes below 0.00001.
gnomAD v4.1: 1 of 1,613,056 alleles (0.000062%); highest among the groups gnomAD compares: Non-Finnish European, 0.000085%; no homozygotes.

Submissions (2):

Ambry Genetics
Classification: Likely pathogenic for Hereditary cancer-predisposing syndrome. Last evaluated: 2024-08-14. Review status: criteria provided, single submitter. Criteria: Ambry Variant Classification Scheme 2023. Collection method: clinical testing. Allele origin: germline.
Comment: The p.Y606C variant (also known as c.1817A>G), located in coding exon 10 of the RET gene, results from an A to G substitution at nucleotide position 1817. The tyrosine at codon 606 is replaced by cysteine, an amino acid with highly dissimilar properties. This alteration has been reported in multiple individuals with a diagnosis of medullary thyroid cancer (MTC) (Ahmed SA et al. J Mol Diagn 2005 May;7(2):283-8, Ercolino T et al. Clin. Endocrinol. (Oxf). 2008 Aug;69(2):253-8; Wang J et al. Fam Cancer. 2016 Jan;15:99-104, Ambry internal data). Functional studies have demonstrated that this alteration leads to increased autophosphorylation and dimerization of the RET protein, and increased phosphorylation of downstream RET targets, suggesting that it is an activating mutation (Ercolino T et al. Clin. Endocrinol. (Oxf). 2008 Aug;69(2):253-8). This amino acid position is not well conserved in available vertebrate species. In addition, this alteration is predicted to be deleterious by in silico analysis. This variant is considered to be rare based on population cohorts in the Genome Aggregation Database (gnomAD). Based on the supporting evidence, this alteration is likely pathogenic for MEN2; however, the association of this alteration with Hirschsprung disease is unknown.

Labcorp Genetics (formerly Invitae), Labcorp
Classification: Uncertain significance for Multiple endocrine neoplasia, type 2. Last evaluated: 2022-11-25. Review status: criteria provided, single submitter. Criteria: Invitae Variant Classification Sherloc (09022015). Collection method: clinical testing. Allele origin: germline.
Comment: This variant is not present in population databases (gnomAD no frequency). This sequence change replaces tyrosine, which is neutral and polar, with cysteine, which is neutral and slightly polar, at codon 606 of the RET protein (p.Tyr606Cys). This missense change has been observed in individual(s) with medullary thyroid carcinoma (PMID: 15858153, 18248647, 26254625). It has also been observed to segregate with disease in related individuals. ClinVar contains an entry for this variant (Variation ID: 24892). Algorithms developed to predict the effect of missense changes on protein structure and function are either unavailable or do not agree on the potential impact of this missense change (SIFT: "Tolerated"; PolyPhen-2: "Possibly Damaging"; Align-GVGD: "Class C0"). Experimental studies have shown that this missense change affects RET function (PMID: 18248647). In summary, the available evidence is currently insufficient to determine the role of this variant in disease. Therefore, it has been classified as a Variant of Uncertain Significance.

Literature cited by the submitters: PubMed 26254625 (cited by Ambry Genetics and Labcorp Genetics (formerly Invitae), Labcorp); PubMed 15858153 (cited by Labcorp Genetics (formerly Invitae), Labcorp); PubMed 18248647 (cited by Labcorp Genetics (formerly Invitae), Labcorp).

NM_020975.6(RET):c.1817A>G (p.Tyr606Cys)

Gene: RET (ret proto-oncogene; plus strand). Cytogenetic location: 10q11.21.
Variant type: single nucleotide variant.
Coding change: c.1817A>G on transcript NM_020975.6 (MANE Select); coding-DNA position 1817, A replaced by G.
Protein change: p.Tyr606Cys; replaces tyrosine 606 with cysteine.
Molecular consequence: missense variant.
Genome position (GRCh38, 1-based): chr10:43,113,613, A>G. VCF-style: chr10-43113613-A-G. GRCh37 (hg19) VCF-style: chr10-43609061-A-G.
Other names: c.1817A>G, p.Tyr606Cys (NM_000323.2, NM_001406743.1, NM_001406744.1 and 6 more transcripts); c.1055A>G, p.Tyr352Cys (NM_001355216.2); c.1688A>G, p.Tyr563Cys (NM_001406761.1, NM_001406762.1, NM_001406764.1 and 1 more transcripts); c.1529A>G, p.Tyr510Cys (NM_001406766.1, NM_001406767.1, NM_001406770.1); c.1421A>G, p.Tyr474Cys (NM_001406769.1, NM_001406772.1); c.1379A>G, p.Tyr460Cys (NM_001406771.1, NM_001406773.1); c.1292A>G, p.Tyr431Cys (NM_001406774.1); c.1091A>G, p.Tyr364Cys (NM_001406775.1, NM_001406776.1, NM_001406777.1 and 1 more transcripts); and 5 more; short protein forms Y352C, Y211C, Y307C, Y364C, Y123C, Y264C, Y474C, Y563C.
Identifiers: ClinVar variation 24892 (VCV000024892.11), dbSNP rs377767395, ClinGen allele CA007781.